The following is an entry in ClinVar:

ClinVar aggregate classification (germline): Uncertain significance (1 of 4 stars; one submission).

Conditions:
Bethlem myopathy 1A. Also called: MYOPATHY, BENIGN CONGENITAL, WITH CONTRACTURES; Bethlem Muscular Dystrophy; Bethlem myopathy 1. Identifiers: Orphanet 610, MedGen CN029274, MONDO:0024530, OMIM 158810.

Submission:

Labcorp Genetics (formerly Invitae), Labcorp
Classification: Uncertain significance for Bethlem myopathy 1A. Last evaluated: 2022-07-26. Review status: criteria provided, single submitter. Criteria: Invitae Variant Classification Sherloc (09022015). Collection method: clinical testing. Allele origin: germline.
Comment: This sequence change replaces phenylalanine, which is neutral and non-polar, with isoleucine, which is neutral and non-polar, at codon 637 of the COL6A2 protein (p.Phe637Ile). This variant is not present in population databases (gnomAD no frequency). This variant has not been reported in the literature in individuals affected with COL6A2-related conditions. Advanced modeling of protein sequence and biophysical properties (such as structural, functional, and spatial information, amino acid conservation, physicochemical variation, residue mobility, and thermodynamic stability) performed at Invitae indicates that this missense variant is expected to disrupt COL6A2 protein function. In summary, the available evidence is currently insufficient to determine the role of this variant in disease. Therefore, it has been classified as a Variant of Uncertain Significance.

NM_001849.4(COL6A2):c.1909T>A (p.Phe637Ile)

Gene: COL6A2 (collagen type VI alpha 2 chain; plus strand). Cytogenetic location: 21q22.3.
Variant type: single nucleotide variant.
Coding change: c.1909T>A on transcript NM_001849.4 (MANE Select); coding-DNA position 1909, T replaced by A.
Protein change: p.Phe637Ile; replaces phenylalanine 637 with isoleucine.
Molecular consequence: missense variant.
Genome position (GRCh38, 1-based): chr21:46,125,557, T>A. VCF-style: chr21-46125557-T-A. GRCh37 (hg19) VCF-style: chr21-47545471-T-A.
Other names: c.1909T>A, p.Phe637Ile (NM_058174.3, NM_058175.3); short protein forms F637I.
Identifiers: ClinVar variation 1713842 (VCV001713842.6), dbSNP rs1402561863, ClinGen allele CA410538813.